The following is an entry in ClinVar:

NM_007078.3(LDB3):c.494G>T (p.Arg165Leu)

Gene: LDB3 (LIM domain binding 3; plus strand). Cytogenetic location: 10q23.2.
Variant type: single nucleotide variant.
Coding change: c.494G>T on transcript NM_007078.3 (MANE Select); coding-DNA position 494, G replaced by T.
Protein change: p.Arg165Leu; replaces arginine 165 with leucine.
Molecular consequence: missense variant. On other transcripts: intron variant (5).
Genome position (GRCh38, 1-based): chr10:86,681,608, G>T. VCF-style: chr10-86681608-G-T. GRCh37 (hg19) VCF-style: chr10-88441365-G-T.
Other names: c.494G>T, p.Arg165Leu (NM_001080115.2, NM_001171610.2, NM_001171611.2 and 3 more transcripts); c.321+1451G>T (NM_001368068.1, NM_001368066.1, NM_001080114.2 and 2 more transcripts); short protein forms R165L.
Identifiers: ClinVar variation 1640774 (VCV001640774.8), dbSNP rs61857115, ClinGen allele CA377454057.
Genomic context (GRCh38, chr10:86,681,608, plus strand): 5'-CCTTCTCCCGGCCCTCCGCCTTCTCCTCACTCGCCGAGGCCTCTGACCCTGGCCCTCCGC[G>T]GGCCAGCCTGAGGGCCAAGACCAGCCCAGAGGGGGCCCGGGACCTACTCGGCCCAAAAGC-3'
Protein context (NP_009009.1, residues 155-175): LAEASDPGPP[Arg165Leu]ASLRAKTSPE

ClinVar aggregate classification (germline): Uncertain significance (1 of 4 stars; one submission).

Conditions:
Myofibrillar myopathy 4. Also called: Zaspopathy (type). Identifiers: Orphanet 98912, MedGen C4721886, MONDO:0012277, OMIM 609452.

Submission:

Labcorp Genetics (formerly Invitae), Labcorp
Classification: Uncertain significance for Myofibrillar myopathy 4. Last evaluated: 2023-05-23. Review status: criteria provided, single submitter. Criteria: Invitae Variant Classification Sherloc (09022015). Collection method: clinical testing. Allele origin: germline.
Comment: In summary, the available evidence is currently insufficient to determine the role of this variant in disease. Therefore, it has been classified as a Variant of Uncertain Significance. Algorithms developed to predict the effect of sequence changes on RNA splicing suggest that this variant is not likely to affect RNA splicing. Experimental studies and prediction algorithms are not available or were not evaluated, and the functional significance of this variant is currently unknown. ClinVar contains an entry for this variant (Variation ID: 1640774). This variant has not been reported in the literature in individuals affected with LDB3-related conditions. This variant is not present in population databases (gnomAD no frequency). This sequence change replaces arginine, which is basic and polar, with leucine, which is neutral and non-polar, at codon 165 of the LDB3 protein (p.Arg165Leu). The LDB3 gene has multiple clinically relevant transcripts. This variant occurs in alternate transcript NM_007078.3, and corresponds to NM_001080116.1:c.321+1451G>T in the primary transcript.